The following is an entry in ClinVar:

ClinVar aggregate classification (germline): Uncertain significance. Review status: criteria provided, multiple submitters, no conflicts (2 of 4 stars). 4 submissions from 4 submitters: Uncertain significance (4). Last evaluated 2025-11-22.

Conditions:
Hereditary nonpolyposis colorectal neoplasms. Identifiers: MedGen C0009405, MeSH D003123.
Hereditary cancer-predisposing syndrome. Also called: Hereditary Cancer Syndrome; Hereditary neoplastic syndrome; Neoplastic Syndromes, Hereditary; Tumor predisposition. Identifiers: Orphanet 140162, MedGen C0027672, MeSH D009386, MONDO:0015356.
Lynch syndrome. Identifiers: Orphanet 144, MedGen C4552100, MONDO:0005835. Disease mechanism: loss of function.

Allele frequency attached by ClinVar (database versions not stated): TOPMed 0.00002.
gnomAD v4.1: 2 of 1,613,074 alleles (0.00012%); highest among the groups gnomAD compares: African/African-American, 0.0027%; no homozygotes.

Submissions (4):

Labcorp Genetics (formerly Invitae), Labcorp
Classification: Uncertain significance for Hereditary nonpolyposis colorectal neoplasms. Last evaluated: 2025-11-22. Review status: criteria provided, single submitter. Criteria: Invitae Variant Classification Sherloc (09022015). Collection method: clinical testing. Allele origin: germline.
Comment: This sequence change replaces cysteine, which is neutral and slightly polar, with tyrosine, which is neutral and polar, at codon 297 of the PMS2 protein (p.Cys297Tyr). This variant is not present in population databases (gnomAD no frequency). This variant has not been reported in the literature in individuals affected with PMS2-related conditions. ClinVar contains an entry for this variant (Variation ID: 455747). Invitae Evidence Modeling incorporating data from in vitro experimental studies (internal data) indicates that this missense variant is not expected to disrupt PMS2 function with a negative predictive value of 95%. In summary, the available evidence is currently insufficient to determine the role of this variant in disease. Therefore, it has been classified as a Variant of Uncertain Significance.

Ambry Genetics
Classification: Uncertain significance for Hereditary cancer-predisposing syndrome. Last evaluated: 2025-03-26. Review status: criteria provided, single submitter. Criteria: Ambry Variant Classification Scheme 2023. Collection method: clinical testing. Allele origin: germline.
Comment: The p.C297Y variant (also known as c.890G>A), located in coding exon 8 of the PMS2 gene, results from a G to A substitution at nucleotide position 890. The cysteine at codon 297 is replaced by tyrosine, an amino acid with highly dissimilar properties. This amino acid position is highly conserved in available vertebrate species. In addition, this alteration is predicted to be deleterious by in silico analysis. Since supporting evidence is limited at this time, the clinical significance of this alteration remains unclear.

All of Us Research Program, National Institutes of Health
Classification: Uncertain significance for Lynch syndrome. Last evaluated: 2023-12-18. Review status: criteria provided, single submitter. Criteria: ACMG Guidelines, 2015. Collection method: clinical testing. Allele origin: germline. Inheritance: Autosomal dominant inheritance. Observed: 2 variant alleles, 2 heterozygotes.
Comment: This missense variant replaces cysteine with tyrosine at codon 297 of the PMS2 protein. Computational prediction suggests that this variant may have deleterious impact on protein structure and function (internally defined REVEL score threshold >= 0.7, PMID: 27666373). To our knowledge, functional studies have not been reported for this variant. This variant has not been reported in individuals affected with PMS2-related disorders in the literature. This variant has not been identified in the general population by the Genome Aggregation Database (gnomAD). The available evidence is insufficient to determine the role of this variant in disease conclusively. Therefore, this variant is classified as a Variant of Uncertain Significance.

This study involves interpretation of variants in research participants for the purpose of population health screening. Participant phenotype was not available at the time of variant classification. Additional details can be found in publication PMID: 35346344, PMCID: PMC8962531

Sema4
Classification: Uncertain significance for Hereditary cancer-predisposing syndrome. Last evaluated: 2022-01-12. Review status: criteria provided, single submitter. Criteria: Sema4 Curation Guidelines. Collection method: curation. Allele origin: germline.
Comment: The PMS2 c.890G>A (p.C297Y) variant has not been reported in the literature to our knowledge. It was not observed in the large and broad cohorts of the Genome Aggregation Database (PMID: 32461654). The variant has been reported in ClinVar (Variation ID 455747). In silico tools suggest the impact of the variant on protein function is deleterious, though these predictions have not been confirmed by functional studies. The evidence is insufficient to meet ACMG/AMP criteria for classifying the variant as benign or pathogenic. Thus, the clinical significance of this variant is currently uncertain.

NM_000535.7(PMS2):c.890G>A (p.Cys297Tyr)

Gene: PMS2 (PMS1 homolog 2, mismatch repair system component; minus strand). Cytogenetic location: 7p22.1.
Variant type: single nucleotide variant.
Coding change: c.890G>A on transcript NM_000535.7 (MANE Select); coding-DNA position 890, G replaced by A.
Protein change: p.Cys297Tyr; replaces cysteine 297 with tyrosine.
Molecular consequence: missense variant. On other transcripts: 5 prime UTR variant (2), non-coding transcript variant (1).
Genome position (GRCh38, 1-based): chr7:5,995,547, C>T on the plus strand (G>A on the coding strand, the complement: PMS2 is on the minus strand). VCF-style: chr7-5995547-C-T. GRCh37 (hg19) VCF-style: chr7-6035178-C-T.
Other names: c.485G>A, p.Cys162Tyr (NM_001322003.2, NM_001322004.2, NM_001322005.2 and 2 more transcripts); c.890G>A, p.Cys297Tyr (NM_001322006.2, NM_001322014.2); c.572G>A, p.Cys191Tyr (NM_001322007.2, NM_001322008.2); c.-44G>A (NM_001322011.2, NM_001322012.2); c.317G>A, p.Cys106Tyr (NM_001322013.2); c.581G>A, p.Cys194Tyr (NM_001322015.2); short protein forms C297Y, C194Y, C191Y, C162Y, C106Y.
Identifiers: ClinVar variation 455747 (VCV000455747.10), dbSNP rs869312802, ClinGen allele CA366743422.
Genomic context (GRCh38, chr7:5,995,547, plus strand): 5'-AAGTCAAAGGCATAAAGAACAAACTAACACAAAAAAATTTTAAATACCTTTGCTGGGTCA[C>T]AAGGCCGCCGGTTGATAAAGAAAAACTGTCTGTCTGTTGAACTCCTTCCAACTCCATGCG-3'
Protein context (NP_000526.2, residues 287-307): RQFFFINRRP[Cys297Tyr]DPAKVCRLVN